The following is an entry in ClinVar:

NM_031844.3(HNRNPU):c.1518del (p.Gly507fs)

Gene: HNRNPU (heterogeneous nuclear ribonucleoprotein U; minus strand). Cytogenetic location: 1q44.
Variant type: Deletion.
Coding change: c.1518del on transcript NM_031844.3 (MANE Select); coding-DNA position 1518, one base deleted (A; older notation c.1518delA).
Protein change: p.Gly507fs; shifts the reading frame from glycine 507.
Molecular consequence: frameshift variant.
Genome position (GRCh38, 1-based): chr1:244,857,694, T deleted on the plus strand (A on the coding strand, the reverse complement: HNRNPU is on the minus strand). VCF-style (leftmost placement, unchanged base first): chr1-244857693-CT-C. GRCh37 (hg19) VCF-style: chr1-245020995-CT-C.
Other names: c.1461del, p.Gly488fs (NM_004501.3); short protein forms G488fs, G507fs.
Identifiers: ClinVar variation 424511 (VCV000424511.2), dbSNP rs1064797011, ClinGen allele CA16617125.

ClinVar aggregate classification (germline): Pathogenic (1 of 4 stars; one submission).

Submission:

GeneDx
Classification: Pathogenic. Last evaluated: 2017-03-23. Review status: criteria provided, single submitter. Criteria: GeneDx Variant Classification (06012015). Collection method: clinical testing. Allele origin: germline. Affected: yes.
Comment: The c.1518delA variant in the HNRNPU gene has not been reported previously as a pathogenic variant nor as a benign variant, to our knowledge. The c.1518delA variant causes a frameshift starting with codon Glycine 507, changes this amino acid to a Glutamic Acid residue, and creates a premature Stop codon at position 31 of the new reading frame, denoted p.Gly507GlufsX31. This variant is predicted to cause loss of normal protein function either through protein truncation or nonsense-mediated mRNA decay. The c.1518delA variant is not observed in large population cohorts (Lek et al., 2016; 1000 Genomes Consortium et al., 2015; Exome Variant Server). We interpret c.1518delA as a pathogenic variant.